The following is an entry in ClinVar:

NM_015909.4(NBAS):c.4307A>G (p.Gln1436Arg)

Gene: NBAS (NBAS subunit of NRZ tethering complex; minus strand). Cytogenetic location: 2p24.3.
Variant type: single nucleotide variant.
Coding change: c.4307A>G on transcript NM_015909.4 (MANE Select); coding-DNA position 4307, A replaced by G.
Protein change: p.Gln1436Arg; replaces glutamine 1436 with arginine.
Molecular consequence: missense variant. On other transcripts: non-coding transcript variant (1).
Genome position (GRCh38, 1-based): chr2:15,330,638, T>C on the plus strand (A>G on the coding strand, the complement: NBAS is on the minus strand). VCF-style: chr2-15330638-T-C. GRCh37 (hg19) VCF-style: chr2-15470762-T-C.
Other names: short protein forms Q1436R.
Identifiers: ClinVar variation 2098300 (VCV002098300.2), dbSNP rs1362140514, ClinGen allele CA345881436.
Genomic context (GRCh38, chr2:15,330,638, plus strand): 5'-AAGAAAGATGCACTGCTTACCTGAAGGGGTCGAAGGTAAGTTAAAGACTTCTTCCACCAC[T>C]GCCCATCACTGACGGCCTGCAGCACCGCTTTGGTGGTGGTTGTGGTGTTGGAAAGGACTT-3'
Protein context (NP_056993.2, residues 1426-1446): KAVLQAVSDG[Gln1436Arg]WWKKSLTYLR

ClinVar aggregate classification (germline): Uncertain significance (1 of 4 stars; one submission).

Allele frequency attached by ClinVar (database versions not stated): gnomAD exomes below 0.00001; gnomAD 0.00002.
gnomAD v4.1: 5 of 1,613,902 alleles (0.00031%); highest among the groups gnomAD compares: East Asian, 0.0067%; no homozygotes.

Submission:

Labcorp Genetics (formerly Invitae), Labcorp
Classification: Uncertain significance. Last evaluated: 2023-11-13. Review status: criteria provided, single submitter. Criteria: Invitae Variant Classification Sherloc (09022015). Collection method: clinical testing. Allele origin: germline.
Comment: This sequence change replaces glutamine, which is neutral and polar, with arginine, which is basic and polar, at codon 1436 of the NBAS protein (p.Gln1436Arg). This variant is present in population databases (no rsID available, gnomAD 0.01%). This variant has not been reported in the literature in individuals affected with NBAS-related conditions. ClinVar contains an entry for this variant (Variation ID: 2098300). Advanced modeling of protein sequence and biophysical properties (such as structural, functional, and spatial information, amino acid conservation, physicochemical variation, residue mobility, and thermodynamic stability) performed at Invitae indicates that this missense variant is not expected to disrupt NBAS protein function with a negative predictive value of 95%. In summary, the available evidence is currently insufficient to determine the role of this variant in disease. Therefore, it has been classified as a Variant of Uncertain Significance.